The following is an entry in ClinVar:

NM_003126.4(SPTA1):c.4058C>T (p.Ala1353Val)

Gene: SPTA1 (spectrin alpha, erythrocytic 1; minus strand). Cytogenetic location: 1q23.1.
Variant type: single nucleotide variant.
Coding change: c.4058C>T on transcript NM_003126.4 (MANE Select); coding-DNA position 4058, C replaced by T.
Protein change: p.Ala1353Val; replaces alanine 1353 with valine.
Molecular consequence: missense variant.
Genome position (GRCh38, 1-based): chr1:158,645,324, G>A on the plus strand (C>T on the coding strand, the complement: SPTA1 is on the minus strand). VCF-style: chr1-158645324-G-A. GRCh37 (hg19) VCF-style: chr1-158615114-G-A.
Other names: p.Ala1353Val; short protein forms A1353V.
Identifiers: ClinVar variation 2373008 (VCV002373008.6), dbSNP rs761757457, ClinGen allele CA1182833.

ClinVar aggregate classification (germline): Uncertain significance. Review status: criteria provided, multiple submitters, no conflicts (2 of 4 stars). 4 submissions from 4 submitters: Uncertain significance (4). Last evaluated 2023-07-06.

Allele frequency attached by ClinVar (database versions not stated): ExAC 0.00001; gnomAD 0.00002; TOPMed 0.00008.
gnomAD v4.1: 11 of 1,613,890 alleles (0.00068%); highest among the groups gnomAD compares: African/African-American, 0.0027%; no homozygotes.

Submissions (4):

Mayo Clinic Laboratories, Mayo Clinic
Classification: Uncertain significance. Last evaluated: 2023-07-06. Review status: criteria provided, single submitter. Criteria: ACMG Guidelines, 2015. Collection method: clinical testing. Allele origin: germline. Observed: 1 variant allele.
Comment: BP4, PM2_moderate

Revvity Omics, Revvity
Classification: Uncertain significance. Last evaluated: 2023-06-29. Review status: criteria provided, single submitter. Criteria: ACMG Guidelines, 2015. Collection method: clinical testing. Allele origin: germline.

GeneDx
Classification: Uncertain significance. Last evaluated: 2022-11-11. Review status: criteria provided, single submitter. Criteria: GeneDx Variant Classification Process June 2021. Collection method: clinical testing. Allele origin: germline. Affected: yes.
Comment: In silico analysis supports that this missense variant does not alter protein structure/function; Has not been previously published as pathogenic or benign to our knowledge

Ambry Genetics
Classification: Uncertain significance. Last evaluated: 2022-07-12. Review status: criteria provided, single submitter. Criteria: Ambry Variant Classification Scheme 2023. Collection method: clinical testing. Allele origin: germline.